The following is an entry in ClinVar:

NM_001010867.4(IBA57):c.631G>A (p.Gly211Ser)

Gene: IBA57 (iron-sulfur cluster assembly factor IBA57; plus strand). Cytogenetic location: 1q42.13.
Variant type: single nucleotide variant.
Coding change: c.631G>A on transcript NM_001010867.4 (MANE Select); coding-DNA position 631, G replaced by A.
Protein change: p.Gly211Ser; replaces glycine 211 with serine.
Molecular consequence: missense variant.
Genome position (GRCh38, 1-based): chr1:228,174,981, G>A. VCF-style: chr1-228174981-G-A. GRCh37 (hg19) VCF-style: chr1-228362682-G-A.
Other names: c.52G>A, p.Gly18Ser (NM_001310327.2); short protein forms G211S, G18S.
Identifiers: ClinVar variation 379988 (VCV000379988.19), dbSNP rs2298014, ClinGen allele CA1431197.

ClinVar aggregate classification (germline): Benign/Likely benign. Review status: criteria provided, multiple submitters, no conflicts (2 of 4 stars). 7 submissions from 6 submitters: Benign (5); Likely benign (1). 1 of the submissions does not count toward it. Last evaluated 2026-02-03.

Conditions:
Hereditary spastic paraplegia 74. Also called: Spastic paraplegia 74, autosomal recessive. Identifiers: Orphanet 468661, MedGen C5568837, MONDO:0014644, OMIM 616451.
Multiple mitochondrial dysfunctions syndrome 3 (MMDS3). Identifiers: Orphanet 363424, MedGen C3809165, MONDO:0014132, OMIM 615330.

Allele frequency attached by ClinVar (database versions not stated): 1000 Genomes Project 0.15695; 1000 Genomes Project 30x 0.15865; TOPMed 0.24205; gnomAD 0.24911 and 0.25152; ESP Exome Variant Server 0.25694; gnomAD exomes 0.28240; ExAC 0.28943.
gnomAD v4.1: 497,120 of 1,549,598 alleles (32%); highest among the groups gnomAD compares: Non-Finnish European, 36%; 85,097 homozygotes.

Submissions (7):

Labcorp Genetics (formerly Invitae), Labcorp
Classification: Benign for Multiple mitochondrial dysfunctions syndrome 3; Hereditary spastic paraplegia 74. Last evaluated: 2026-02-03. Review status: criteria provided, single submitter. Criteria: Invitae Variant Classification Sherloc (09022015). Collection method: clinical testing. Allele origin: germline.

Blueprint Genetics
Classification: Likely benign. Last evaluated: 2024-11-26. Review status: criteria provided, single submitter. Criteria: ACMG Guidelines, 2015. Collection method: clinical testing. Allele origin: germline.

Genome-Nilou Lab
Classification: Benign for Hereditary spastic paraplegia 74. Last evaluated: 2021-08-10. Review status: criteria provided, single submitter. Criteria: ACMG Guidelines, 2015. Collection method: clinical testing. Allele origin: germline. Affected: no.

Genome-Nilou Lab
Classification: Benign for Multiple mitochondrial dysfunctions syndrome 3. Last evaluated: 2021-08-10. Review status: criteria provided, single submitter. Criteria: ACMG Guidelines, 2015. Collection method: clinical testing. Allele origin: germline. Affected: no.

GeneDx
Classification: Benign. Last evaluated: 2015-12-02. Review status: criteria provided, single submitter. Criteria: GeneDx Variant Classification (06012015). Collection method: clinical testing. Allele origin: germline. Affected: yes.
Comment: This variant is considered likely benign or benign based on one or more of the following criteria: it is a conservative change, it occurs at a poorly conserved position in the protein, it is predicted to be benign by multiple in silico algorithms, and/or has population frequency not consistent with disease.

Breakthrough Genomics
Classification: Benign. Review status: criteria provided, single submitter. Criteria: ACMG Guidelines, 2015. Collection method: not provided. Allele origin: germline. Inheritance: Autosomal recessive inheritance. Affected: yes.

Mayo Clinic Laboratories, Mayo Clinic
Classification: Benign. Last evaluated: 2016-02-16. Review status: no assertion criteria provided. Collection method: clinical testing. Allele origin: unknown. Not counted in ClinVar's aggregate classification.